The following is an entry in ClinVar:

NM_001267550.2(TTN):c.39313G>T (p.Glu13105Ter)

Gene: TTN (titin; minus strand). Cytogenetic location: 2q31.2.
Variant type: single nucleotide variant.
Coding change: c.39313G>T on transcript NM_001267550.2 (MANE Select); coding-DNA position 39313, G replaced by T.
Protein change: p.Glu13105Ter; replaces glutamic acid 13105 with a stop codon.
Molecular consequence: nonsense. On other transcripts: intron variant (3).
Genome position (GRCh38, 1-based): chr2:178,651,950, C>A on the plus strand (G>T on the coding strand, the complement: TTN is on the minus strand). VCF-style: chr2-178651950-C-A. GRCh37 (hg19) VCF-style: chr2-179516677-C-A.
Other names: c.34792G>T, p.Glu11598Ter (NM_001256850.1); c.32011G>T, p.Glu10671Ter (NM_133378.4); c.13283-9633G>T (NM_003319.4); c.13859-9633G>T (NM_133437.4); c.13658-9633G>T (NM_133432.3); short protein forms E11598*, E13105*, E10671*.
Identifiers: ClinVar variation 2017182 (VCV002017182.4), dbSNP rs761027873, ClinGen allele CA349458461.

ClinVar aggregate classification (germline): Likely pathogenic (1 of 4 stars; one submission).

Conditions:
Autosomal recessive limb-girdle muscular dystrophy type 2J (LGMDR10). Also called: Limb-girdle muscular dystrophy, type 2J; MUSCULAR DYSTROPHY, LIMB-GIRDLE, AUTOSOMAL RECESSIVE 10. Identifiers: Orphanet 140922, MedGen C1837342, MONDO:0012127, OMIM 608807.
Dilated cardiomyopathy 1G (CMD1G). Identifiers: Orphanet 154, MedGen C1858763, MONDO:0011400, OMIM 604145.

Submission:

Labcorp Genetics (formerly Invitae), Labcorp
Classification: Likely pathogenic for Dilated cardiomyopathy 1G; Autosomal recessive limb-girdle muscular dystrophy type 2J. Last evaluated: 2024-10-18. Review status: criteria provided, single submitter. Criteria: Invitae Variant Classification Sherloc (09022015). Collection method: clinical testing. Allele origin: germline.
Comment: This sequence change creates a premature translational stop signal (p.Glu13105*) in the TTN gene. While this is not anticipated to result in nonsense mediated decay, it is expected to create a truncated TTN protein. This variant is not present in population databases (gnomAD no frequency). This variant has not been reported in the literature in individuals affected with TTN-related conditions. ClinVar contains an entry for this variant (Variation ID: 2017182). Algorithms developed to predict the effect of sequence changes on RNA splicing suggest that this variant may disrupt the consensus splice site. This variant is located in the I band of TTN (PMID: 25589632). Truncating variants in this region have been reported in individuals affected with autosomal recessive centronuclear myopathy (PMID: 23975875, internal data). Truncating variants in this region have also been identified in individuals affected with autosomal dominant dilated cardiomyopathy and/or cardio-related conditions (PMID: 27869827, 32964742, internal data). In summary, the currently available evidence indicates that the variant is pathogenic, but additional data are needed to prove that conclusively. Therefore, this variant has been classified as Likely Pathogenic.

Literature cited by the submitters: PubMed 25589632; PubMed 23975875; PubMed 27869827; PubMed 32964742.